The following is an entry in ClinVar:

NM_005070.4(SLC4A3):c.2382G>A (p.Val794=)

Gene: SLC4A3 (solute carrier family 4 member 3; plus strand). Cytogenetic location: 2q35.
Variant type: single nucleotide variant.
Coding change: c.2382G>A on transcript NM_005070.4 (MANE Select); coding-DNA position 2382, G replaced by A.
Protein change: p.Val794=; no amino-acid change (valine 794 retained).
Molecular consequence: synonymous variant. On other transcripts: non-coding transcript variant (1).
Genome position (GRCh38, 1-based): chr2:219,636,721, G>A. VCF-style: chr2-219636721-G-A. GRCh37 (hg19) VCF-style: chr2-220501443-G-A.
Other names: p.Val821=; c.2463G>A, p.Val821= (NM_001326559.2, NM_201574.3); c.2382G>A, p.Val794= (NM_001438863.1); c.1788G>A, p.Val596= (NM_001438864.1).
Identifiers: ClinVar variation 4684654 (VCV004684654.1).

ClinVar aggregate classification (germline): Likely benign (1 of 4 stars; one submission).

Submission:

Mayo Clinic Laboratories, Mayo Clinic
Classification: Likely benign. Last evaluated: 2025-05-13. Review status: criteria provided, single submitter. Criteria: ACMG Guidelines, 2015. Collection method: clinical testing. Allele origin: germline. Observed: 1 variant allele.
Comment: BP4, BP7, PM2_supporting